The following is an entry in ClinVar:

ClinVar aggregate classification (germline): Likely benign (0 of 4 stars; one submission).

Conditions:
KALRN-related disorder. Also called: KALRN-related condition.

Allele frequency attached by ClinVar (database versions not stated): gnomAD exomes 0.00007; ExAC 0.00008.
gnomAD v4.1: 122 of 1,614,076 alleles (0.0076%); highest among the groups gnomAD compares: Middle Eastern, 0.016%; no homozygotes.

Submission:

PreventionGenetics, part of Exact Sciences
Classification: Likely benign for KALRN-related condition. Last evaluated: 2019-03-14. Review status: no assertion criteria provided. Collection method: clinical testing. Allele origin: germline.
Comment: This variant is classified as likely benign based on ACMG/AMP sequence variant interpretation guidelines (Richards et al. 2015 PMID: 25741868, with internal and published modifications).

NM_001388419.1(KALRN):c.7530C>T (p.Asn2510=)

Gene: KALRN (kalirin RhoGEF kinase; plus strand). Cytogenetic location: 3q21.2.
Variant type: single nucleotide variant.
Coding change: c.7530C>T on transcript NM_001388419.1 (MANE Select); coding-DNA position 7530, C replaced by T.
Protein change: p.Asn2510=; no amino-acid change (asparagine 2510 retained).
Molecular consequence: synonymous variant.
Genome position (GRCh38, 1-based): chr3:124,694,456, C>T. VCF-style: chr3-124694456-C-T. GRCh37 (hg19) VCF-style: chr3-124413303-C-T.
Other names: c.7530C>T, p.Asn2510= (NM_001024660.5); c.2436C>T, p.Asn812= (NM_001322993.2); c.2439C>T, p.Asn813= (NM_007064.5).
Identifiers: ClinVar variation 3058445 (VCV003058445.2), dbSNP rs754646887, ClinGen allele CA2581192.